The following is an entry in ClinVar:

ClinVar aggregate classification (germline): Uncertain significance. Review status: criteria provided, multiple submitters, no conflicts (2 of 4 stars). 3 submissions from 3 submitters: Uncertain significance (2). 1 of the submissions does not count toward it. Last evaluated 2022-02-09.

Conditions:
Zellweger spectrum disorders (ZS). Also called: Zellweger Spectrum Disorder; Zellweger Spectrum; Zellweger syndrome; Zellweger Spectrum Disorder (ZSD). Identifiers: Orphanet 912, MedGen C0043459, MONDO:0019609.
Peroxisome biogenesis disorder. Identifiers: Orphanet 79189, MedGen C1832200, MONDO:0019234. Disease mechanism: loss of function.

Allele frequency attached by ClinVar (database versions not stated): ExAC 0.00001; gnomAD 0.00001; TOPMed 0.00001; gnomAD exomes 0.00002.
gnomAD v4.1: 32 of 1,614,026 alleles (0.002%); highest among the groups gnomAD compares: Non-Finnish European, 0.0026%; no homozygotes.

Submissions (3):

Labcorp Genetics (formerly Invitae), Labcorp
Classification: Uncertain significance for Peroxisome biogenesis disorder. Last evaluated: 2022-02-09. Review status: criteria provided, single submitter. Criteria: Invitae Variant Classification Sherloc (09022015). Collection method: clinical testing. Allele origin: germline.
Comment: This sequence change replaces glutamic acid, which is acidic and polar, with lysine, which is basic and polar, at codon 783 of the PEX6 protein (p.Glu783Lys). This variant is not present in population databases (gnomAD no frequency). This variant has not been reported in the literature in individuals affected with PEX6-related conditions. ClinVar contains an entry for this variant (Variation ID: 805119). Algorithms developed to predict the effect of missense changes on protein structure and function are either unavailable or do not agree on the potential impact of this missense change (SIFT: "Tolerated"; PolyPhen-2: "Possibly Damaging"; Align-GVGD: "Class C0"). In summary, the available evidence is currently insufficient to determine the role of this variant in disease. Therefore, it has been classified as a Variant of Uncertain Significance.

Athena Diagnostics
Classification: Uncertain significance. Last evaluated: 2019-05-14. Review status: criteria provided, single submitter. Criteria: Athena Diagnostics Criteria. Collection method: clinical testing. Allele origin: germline.

Natera, Inc.
Classification: Uncertain significance for Zellweger syndrome. Last evaluated: 2020-08-12. Review status: no assertion criteria provided. Collection method: clinical testing. Allele origin: germline. Not counted in ClinVar's aggregate classification.

NM_000287.4(PEX6):c.2347G>A (p.Glu783Lys)

Gene: PEX6 (peroxisomal biogenesis factor 6; minus strand). Cytogenetic location: 6p21.1.
Variant type: single nucleotide variant.
Coding change: c.2347G>A on transcript NM_000287.4 (MANE Select); coding-DNA position 2347, G replaced by A.
Protein change: p.Glu783Lys; replaces glutamic acid 783 with lysine.
Molecular consequence: missense variant.
Genome position (GRCh38, 1-based): chr6:42,966,059, C>T on the plus strand (G>A on the coding strand, the complement: PEX6 is on the minus strand). VCF-style: chr6-42966059-C-T. GRCh37 (hg19) VCF-style: chr6-42933797-C-T.
Other names: c.2083G>A, p.Glu695Lys (NM_001316313.2); short protein forms E695K, E783K.
Identifiers: ClinVar variation 805119 (VCV000805119.4), dbSNP rs757161798, ClinGen allele CA3811064.